The following is an entry in ClinVar:

NM_133642.5(LARGE1):c.788-65A>G

Gene: LARGE1 (LARGE xylosyl- and glucuronyltransferase 1; minus strand). Cytogenetic location: 22q12.3.
Variant type: single nucleotide variant.
Coding change: c.788-65A>G on transcript NM_133642.5 (MANE Select); 65 bases into the intron before coding-DNA position 788, A replaced by G.
Molecular consequence: intron variant.
Genome position (GRCh38, 1-based): chr22:33,432,330, T>C on the plus strand (A>G on the coding strand, the complement: LARGE1 is on the minus strand). VCF-style: chr22-33432330-T-C. GRCh37 (hg19) VCF-style: chr22-33828316-T-C.
Other names: NC_000022.10:g.33828316T>C; c.788-65A>G (NM_001362953.2, NM_001362949.2, NM_001378627.1 and 7 more transcripts); c.185-65A>G (NM_001378631.1, NM_001378630.1).
Identifiers: ClinVar variation 677516 (VCV000677516.3), dbSNP rs80069366, ClinGen allele CA323727589.

ClinVar aggregate classification (germline): Likely benign. Review status: criteria provided, multiple submitters, no conflicts (2 of 4 stars). 2 submissions from 2 submitters: Likely benign (2). Last evaluated 2018-06-16.

Allele frequency attached by ClinVar (database versions not stated): gnomAD 0.01425 and 0.01526; 1000 Genomes Project 0.01617; TOPMed 0.01681; 1000 Genomes Project 30x 0.01796.
gnomAD v4.1: 3,882 of 1,212,364 alleles (0.32%); highest among the groups gnomAD compares: African/African-American, 4.6%; 90 homozygotes.

Submissions (4):

GeneDx
Classification: Likely benign. Last evaluated: 2018-06-16. Review status: criteria provided, single submitter. Criteria: GeneDx Variant Classification (06012015). Collection method: clinical testing. Allele origin: germline. Affected: yes.
Comment: This variant is considered likely benign or benign based on one or more of the following criteria: it is a conservative change, it occurs at a poorly conserved position in the protein, it is predicted to be benign by multiple in silico algorithms, and/or has population frequency not consistent with disease.

Breakthrough Genomics
Classification: Likely benign. Review status: criteria provided, single submitter. Criteria: ACMG Guidelines, 2015. Collection method: not provided. Allele origin: germline. Inheritance: Autosomal recessive inheritance. Affected: yes.

Dr. Peter K. Rogan Lab, Western University
No classification provided (evidence only). Condition: Acute myeloid leukemia. Review status: no classification provided. Collection method: in vitro. Allele origin: not applicable. Functional consequence: retained intron. Not counted in ClinVar's aggregate classification.

Dr. Peter K. Rogan Lab, Western University
No classification provided (evidence only). Condition: Thymoma. Review status: no classification provided. Collection method: in vitro. Allele origin: not applicable. Functional consequence: retained intron. Not counted in ClinVar's aggregate classification.